The following is an entry in ClinVar:

ClinVar aggregate classification (germline): Uncertain significance (1 of 4 stars; one submission).

Submission:

Labcorp Genetics (formerly Invitae), Labcorp
Classification: Uncertain significance. Last evaluated: 2025-07-19. Review status: criteria provided, single submitter. Criteria: Invitae Variant Classification Sherloc (09022015). Collection method: clinical testing. Allele origin: germline.
Comment: This sequence change falls in intron 32 of the POLE gene. It does not directly change the encoded amino acid sequence of the POLE protein. It affects a nucleotide within the consensus splice site. This variant is not present in population databases (gnomAD no frequency). This variant has not been reported in the literature in individuals affected with POLE-related conditions. ClinVar contains an entry for this variant (Variation ID: 473647). Variants that disrupt the consensus splice site are a relatively common cause of aberrant splicing (PMID: 17576681, 9536098). Algorithms developed to predict the effect of sequence changes on RNA splicing suggest that this variant is not likely to affect RNA splicing. In summary, the available evidence is currently insufficient to determine the role of this variant in disease. Therefore, it has been classified as a Variant of Uncertain Significance.

Literature cited by the submitters: PubMed 17576681; PubMed 9536098.

NM_006231.4(POLE):c.4149+3A>G

Gene: POLE (DNA polymerase epsilon, catalytic subunit; minus strand). Cytogenetic location: 12q24.33.
Variant type: single nucleotide variant.
Coding change: c.4149+3A>G on transcript NM_006231.4 (MANE Select); 3 bases into the intron after coding-DNA position 4149, A replaced by G.
Molecular consequence: intron variant.
Genome position (GRCh38, 1-based): chr12:132,648,926, T>C on the plus strand (A>G on the coding strand, the complement: POLE is on the minus strand). VCF-style: chr12-132648926-T-C. GRCh37 (hg19) VCF-style: chr12-133225512-T-C.
Identifiers: ClinVar variation 473647 (VCV000473647.7), dbSNP rs1358505756, ClinGen allele CA658658183.